The following is an entry in ClinVar:

NM_000719.7(CACNA1C):c.3748G>T (p.Ala1250Ser)

Gene: CACNA1C (calcium voltage-gated channel subunit alpha1 C; plus strand). Cytogenetic location: 12p13.33.
Variant type: single nucleotide variant.
Coding change: c.3748G>T on transcript NM_000719.7 (MANE Select); coding-DNA position 3748, G replaced by T.
Protein change: p.Ala1250Ser; replaces alanine 1250 with serine.
Molecular consequence: missense variant.
Genome position (GRCh38, 1-based): chr12:2,611,933, G>T. VCF-style: chr12-2611933-G-T. GRCh37 (hg19) VCF-style: chr12-2721099-G-T.
Other names: c.3808G>T, p.Ala1270Ser (NM_001129827.2, NM_199460.4, NM_001129832.2); c.3748G>T, p.Ala1250Ser (NM_001129839.2, NM_001129840.2, NM_001129841.2 and 15 more transcripts); c.3739G>T, p.Ala1247Ser (NM_001129844.2); short protein forms A1247S, A1250S, A1270S.
Identifiers: ClinVar variation 1396539 (VCV001396539.11), dbSNP rs373930708, ClinGen allele CA6389306.
Genomic context (GRCh38, chr12:2,611,933, plus strand): 5'-GTTCACAGCTCCTCCCCTCTCCTGATGCAGCACTACGGCCAGAGCTGCCTGTTCAAAATC[G>T]CCATGAACATCCTCAACATGCTCTTCACTGGCCTCTTCACCGTGGAGATGATCCTGAAGC-3'
Protein context (NP_000710.5, residues 1240-1260): HYGQSCLFKI[Ala1250Ser]MNILNMLFTG

ClinVar aggregate classification (germline): Uncertain significance. Review status: criteria provided, multiple submitters, no conflicts (2 of 4 stars). 3 submissions from 3 submitters: Uncertain significance (3). Last evaluated 2025-10-17.

Conditions:
Cardiovascular phenotype. Identifiers: MedGen CN230736.
Long QT syndrome (LQTS). Identifiers: MedGen C0023976, MeSH D008133, MONDO:0002442. Disease mechanism: loss of function. Inheritance: Various modes of inheritance.

gnomAD v4.1: 10 of 1,613,370 alleles (0.00062%); highest among the groups gnomAD compares: Non-Finnish European, 0.00085%; no homozygotes.

Submissions (3):

Labcorp Genetics (formerly Invitae), Labcorp
Classification: Uncertain significance for Long QT syndrome. Last evaluated: 2025-10-17. Review status: criteria provided, single submitter. Criteria: Invitae Variant Classification Sherloc (09022015). Collection method: clinical testing. Allele origin: germline.
Comment: This sequence change replaces alanine, which is neutral and non-polar, with serine, which is neutral and polar, at codon 1250 of the CACNA1C protein (p.Ala1250Ser). This variant is present in population databases (rs373930708, gnomAD 0.002%). This variant has not been reported in the literature in individuals affected with CACNA1C-related conditions. ClinVar contains an entry for this variant (Variation ID: 1396539). Invitae Evidence Modeling of protein sequence and biophysical properties (such as structural, functional, and spatial information, amino acid conservation, physicochemical variation, residue mobility, and thermodynamic stability) has been performed for this missense variant. However, the output from this modeling did not meet the statistical confidence thresholds required to predict the impact of this variant on CACNA1C protein function. In summary, the available evidence is currently insufficient to determine the role of this variant in disease. Therefore, it has been classified as a Variant of Uncertain Significance.

Ambry Genetics
Classification: Uncertain significance for Cardiovascular phenotype. Last evaluated: 2025-03-21. Review status: criteria provided, single submitter. Criteria: Ambry Variant Classification Scheme 2023. Collection method: clinical testing. Allele origin: germline.
Comment: The p.A1250S variant (also known as c.3748G>T), located in coding exon 29 of the CACNA1C gene, results from a G to T substitution at nucleotide position 3748. The alanine at codon 1250 is replaced by serine, an amino acid with similar properties. This amino acid position is well conserved in available vertebrate species. In addition, this alteration is predicted to be deleterious by in silico analysis. According to data from gnomAD, the frequency for this variant is above the maximum credible frequency for a cardiac disease-causing variant in this gene based on internally established thresholds (Karczewski et al.Nature. 2020 May;581(7809):434-443; Whiffin et al.Genet Med. 2017 10;19:1151-1158). Based on the supporting evidence, the association of this alteration withCACNA1C-related neurodevelopmental disorderis unknown; however, the association withCACNA1C-related Timothy syndrome or LQTS without extracardiac findingsis unlikely.

GeneDx
Classification: Uncertain significance. Last evaluated: 2024-07-26. Review status: criteria provided, single submitter. Criteria: GeneDx Variant Classification Process June 2021. Collection method: clinical testing. Allele origin: germline.
Comment: Not observed at significant frequency in large population cohorts (gnomAD); In silico analysis indicates that this missense variant does not alter protein structure/function; Has not been previously published as pathogenic or benign to our knowledge